The following is an entry in ClinVar:

NM_001329943.3(KIAA0586):c.2047_2048del (p.Glu683fs)

Gene: KIAA0586 (KIAA0586; plus strand). Cytogenetic location: 14q23.1.
Variant type: Deletion.
Coding change: c.2047_2048del on transcript NM_001329943.3 (MANE Select); coding-DNA positions 2047 to 2048, 2 bases deleted (GA; older notation c.2047_2048delGA).
Protein change: p.Glu683fs; shifts the reading frame from glutamic acid 683.
Molecular consequence: frameshift variant.
Genome position (GRCh38, 1-based): chr14:58,461,148-58,461,149, GA deleted; deleting any 2 consecutive bases within chr14:58,461,147-58,461,149 gives the same sequence; the c. name uses the placement nearest the transcript's 3' end. VCF-style (leftmost placement, unchanged base first): chr14-58461146-TAG-T. GRCh37 (hg19) VCF-style: chr14-58927864-TAG-T.
Other names: c.2206_2207del, p.Glu736fs (NM_001244189.2); c.2002_2003del, p.Glu668fs (NM_001244190.2); c.1792_1793del, p.Glu598fs (NM_001244191.2, NM_001329945.2, NM_001364700.1 and 1 more transcripts); c.1915_1916del, p.Glu639fs (NM_001244192.2); c.1627_1628del, p.Glu543fs (NM_001244193.2); c.2047_2048del, p.Glu683fs (NM_001329944.2, NM_001329946.2, NM_001329947.2); c.1819_1820del, p.Glu607fs (NM_014749.5); short protein forms E598fs, E607fs, E683fs, E639fs, E543fs, E668fs, E736fs.
Identifiers: ClinVar variation 1457530 (VCV001457530.6), dbSNP rs2140887842, ClinGen allele CA2573150065.
Genomic context (GRCh38, chr14:58,461,146, plus strand): 5'-GACCATATCTCAGATTTAATTCTCCATCTCCTAAGTCCAGACCACAGAGACCAAAAGTAA[TAG>T]AACGAGTTAAAGGTAAGGAATCTCATTTTTAATGTTTAATCTCATTTCTTAATAGTATCA-3'

ClinVar aggregate classification (germline): Pathogenic (1 of 4 stars; one submission).

Conditions:
Joubert syndrome 23 (JBTS23). Identifiers: Orphanet 475, MedGen C4084822, MONDO:0014664, OMIM 616490.
Short-rib thoracic dysplasia 14 with polydactyly (SRTD14). Identifiers: Orphanet 397715, MedGen C4225286, MONDO:0014688, OMIM 616546.

Submission:

Labcorp Genetics (formerly Invitae), Labcorp
Classification: Pathogenic for Joubert syndrome 23; Short-rib thoracic dysplasia 14 with polydactyly. Last evaluated: 2020-12-04. Review status: criteria provided, single submitter. Criteria: Invitae Variant Classification Sherloc (09022015). Collection method: clinical testing. Allele origin: germline.
Comment: For these reasons, this variant has been classified as Pathogenic. This variant has not been reported in the literature in individuals with KIAA0586-related conditions. This variant is not present in population databases (ExAC no frequency). This sequence change creates a premature translational stop signal (p.Glu736Thrfs*3) in the KIAA0586 gene. It is expected to result in an absent or disrupted protein product. Loss-of-function variants in KIAA0586 are known to be pathogenic (PMID: 26096313, 26166481, 26386044).

Literature cited by the submitters: PubMed 26096313; PubMed 26166481; PubMed 26386044.